The following is an entry in ClinVar:

NM_000038.6(APC):c.8436_8440del (p.Asn2812fs)

Gene: APC (APC regulator of Wnt signaling pathway; plus strand). Cytogenetic location: 5q22.2.
Variant type: Deletion.
Coding change: c.8436_8440del on transcript NM_000038.6 (MANE Select); coding-DNA positions 8436 to 8440, 5 bases deleted (CACAA; older notation c.8436_8440delCACAA).
Protein change: p.Asn2812fs; shifts the reading frame from asparagine 2812.
Molecular consequence: frameshift variant. On other transcripts: non-coding transcript variant (2).
Genome position (GRCh38, 1-based): chr5:112,844,030-112,844,034, CACAA deleted; deleting any 5 consecutive bases within chr5:112,844,026-112,844,034 gives the same sequence; the c. name uses the placement nearest the transcript's 3' end. VCF-style (leftmost placement, unchanged base first): chr5-112844025-AACAAC-A. GRCh37 (hg19) VCF-style: chr5-112179722-AACAAC-A.
Other names: c.7284_7288del, p.Asn2428fs (NM_001407471.1, NM_001407472.1); c.8436_8440del, p.Asn2812fs (NM_001127510.3, NM_001354895.2, NM_001407450.1); c.8382_8386del, p.Asn2794fs (NM_001127511.3); c.8490_8494del, p.Asn2830fs (NM_001354896.2, NM_001407447.1, NM_001407448.1 and 1 more transcripts); c.8466_8470del, p.Asn2822fs (NM_001354897.2); c.8361_8365del, p.Asn2787fs (NM_001354898.2); c.8352_8356del, p.Asn2784fs (NM_001354899.2); c.8313_8317del, p.Asn2771fs (NM_001354900.2); and 11 more; short protein forms N2652fs, N2683fs, N2787fs, N2805fs, N2822fs, N2830fs, N2428fs, N2721fs.
Identifiers: ClinVar variation 3881143 (VCV003881143.1).

ClinVar aggregate classification (germline): Likely pathogenic (1 of 4 stars; one submission).

Conditions:
Hereditary cancer-predisposing syndrome. Also called: Tumor predisposition; Neoplastic Syndromes, Hereditary; Hereditary Cancer Syndrome; Hereditary neoplastic syndrome. Identifiers: Orphanet 140162, MedGen C0027672, MeSH D009386, MONDO:0015356.

Submission:

Ambry Genetics
Classification: Likely pathogenic for Hereditary cancer-predisposing syndrome. Last evaluated: 2025-01-06. Review status: criteria provided, single submitter. Criteria: Ambry Variant Classification Scheme 2023. Collection method: clinical testing. Allele origin: germline.
Comment: The c.8436_8440delCACAA variant, located in coding exon 15 of the APC gene, results from a deletion of 5 nucleotides at nucleotide positions 8436 to 8440, causing a translational frameshift with a predicted alternate stop codon (p.N2812Kfs*8). This alteration occurs at the 3' terminus of the APC gene, is not expected to trigger nonsense-mediated mRNA decay, and impacts the last 32 amino acids of the protein. However, premature stop codons are typically deleterious in nature and the impacted region is critical for protein function (Ambry internal data). This variant is considered to be rare based on population cohorts in the Genome Aggregation Database (gnomAD). Based on the majority of available evidence to date, this variant is likely to be pathogenic.